The following is an entry in ClinVar:

NM_001303052.2(MYT1L):c.2486G>A (p.Arg829Gln)

Gene: MYT1L (myelin transcription factor 1 like; minus strand). Cytogenetic location: 2p25.3.
Variant type: single nucleotide variant.
Coding change: c.2486G>A on transcript NM_001303052.2 (MANE Select); coding-DNA position 2486, G replaced by A.
Protein change: p.Arg829Gln; replaces arginine 829 with glutamine.
Molecular consequence: missense variant.
Genome position (GRCh38, 1-based): chr2:1,889,275, C>T on the plus strand (G>A on the coding strand, the complement: MYT1L is on the minus strand). VCF-style: chr2-1889275-C-T. GRCh37 (hg19) VCF-style: chr2-1893047-C-T.
Other names: c.2486G>A, p.Arg829Gln (NM_001329844.2, NM_001329845.1, NM_001329851.3); c.2480G>A, p.Arg827Gln (NM_001329846.3, NM_001329847.2, NM_001329848.1 and 3 more transcripts); short protein forms R827Q, R829Q.
Identifiers: ClinVar variation 3234456 (VCV003234456.20), dbSNP rs200379833, ClinGen allele CA1514025.

ClinVar aggregate classification (germline): Likely benign (1 of 4 stars; one submission).

Allele frequency attached by ClinVar (database versions not stated): TOPMed below 0.00001; gnomAD 0.00001; gnomAD exomes 0.00002; ExAC 0.00004; 1000 Genomes Project 30x 0.00016; 1000 Genomes Project 0.00020.
gnomAD v4.1: 32 of 1,613,952 alleles (0.002%); highest among the groups gnomAD compares: Admixed American, 0.005%; no homozygotes.

Submission:

CeGaT Center for Human Genetics Tuebingen
Classification: Likely benign. Last evaluated: 2024-04-01. Review status: criteria provided, single submitter. Criteria: CeGaT Center For Human Genetics Tuebingen Variant Classification Criteria Version 2. Collection method: clinical testing. Allele origin: germline. Affected: yes. Observed: 1 variant allele.
Comment: MYT1L: BP4